The following is an entry in ClinVar:

ClinVar aggregate classification (germline): Uncertain significance (1 of 4 stars; one submission).

Submission:

Ambry Genetics
Classification: Uncertain significance. Last evaluated: 2024-03-27. Review status: criteria provided, single submitter. Criteria: Ambry Variant Classification Scheme 2023. Collection method: clinical testing. Allele origin: germline.
Comment: The p.D329G variant (also known as c.986A>G), located in coding exon 10 of the KIF1B gene, results from an A to G substitution at nucleotide position 986. The aspartic acid at codon 329 is replaced by glycine, an amino acid with similar properties. This amino acid position is conserved. In addition, this alteration is predicted to be deleterious by in silico analysis. Based on the available evidence, the clinical significance of this alteration remains unclear.

NM_001365951.3(KIF1B):c.1004A>G (p.Asp335Gly)

Gene: KIF1B (kinesin family member 1B; plus strand). Cytogenetic location: 1p36.22.
Variant type: single nucleotide variant.
Coding change: c.1004A>G on transcript NM_001365951.3 (MANE Select); coding-DNA position 1004, A replaced by G.
Protein change: p.Asp335Gly; replaces aspartic acid 335 with glycine.
Molecular consequence: missense variant.
Genome position (GRCh38, 1-based): chr1:10,276,366, A>G. VCF-style: chr1-10276366-A-G. GRCh37 (hg19) VCF-style: chr1-10336424-A-G.
Other names: c.1004A>G, p.Asp335Gly (NM_001365952.1); c.986A>G, p.Asp329Gly (NM_001365953.1, NM_015074.3, NM_183416.4); short protein forms D329G, D335G.
Identifiers: ClinVar variation 3288405 (VCV003288405.1).
Genomic context (GRCh38, chr1:10,276,366, plus strand): 5'-GATTAATCTTTTTAGGTGGCAATTCTCGGACTGCAATGGTTGCTGCTCTGAGCCCCGCGG[A>G]TATCAACTACGATGAGACTTTGAGCACTCTGAGGTACTTTCTTTTGATCTCAGTAACAAC-3'
Protein context (NP_001352880.1, residues 325-345): TAMVAALSPA[Asp335Gly]INYDETLSTL